The following is an entry in ClinVar:

ClinVar aggregate classification (germline): Benign (1 of 4 stars; one submission).

Conditions:
Adult-onset autosomal dominant demyelinating leukodystrophy. Identifiers: Orphanet 99027, MedGen C1868512, MONDO:0008215.

Allele frequency attached by ClinVar (database versions not stated): gnomAD exomes 0.00051 and 0.00123; ESP Exome Variant Server 0.00054; 1000 Genomes Project 0.00060; 1000 Genomes Project 30x 0.00062; gnomAD 0.00070 and 0.00073; TOPMed 0.00093; ExAC 0.00120.
gnomAD v4.1: 875 of 1,582,218 alleles (0.055%); highest among the groups gnomAD compares: Admixed American, 0.3%; 4 homozygotes.

Submission:

Illumina Laboratory Services, Illumina
Classification: Benign for Leukodystrophy, demyelinating, adult-onset, autosomal dominant, typical. Last evaluated: 2018-01-13. Review status: criteria provided, single submitter. Criteria: ICSL Variant Classification Criteria 13 December 2019. Collection method: clinical testing. Allele origin: germline.
Comment: This variant was observed in the ICSL laboratory as part of a predisposition screen in an ostensibly healthy population. It had not been previously curated by ICSL or reported in the Human Gene Mutation Database (HGMD: prior to June 1st, 2018), and was therefore a candidate for classification through an automated scoring system. Utilizing variant allele frequency, disease prevalence and penetrance estimates, and inheritance mode, an automated score was calculated to assess if this variant is too frequent to cause the disease. Based on the score and internal cut-off values, a variant classified as benign is not then subjected to further curation. The score for this variant resulted in a classification of benign for this disease.

NM_005573.4(LMNB1):c.*15T>C

Gene: LMNB1 (lamin B1; plus strand). Cytogenetic location: 5q23.2.
Variant type: single nucleotide variant.
Coding change: c.*15T>C on transcript NM_005573.4 (MANE Select); 15 bases downstream of the stop codon, T replaced by C.
Molecular consequence: 3 prime UTR variant. On other transcripts: non-coding transcript variant (1).
Genome position (GRCh38, 1-based): chr5:126,836,279, T>C. VCF-style: chr5-126836279-T-C. GRCh37 (hg19) VCF-style: chr5-126171971-T-C.
Other names: c.*15T>C (NM_001198557.2).
Identifiers: ClinVar variation 350621 (VCV000350621.5), dbSNP rs140296800, ClinGen allele CA3390814.